The following is an entry in ClinVar:

ClinVar aggregate classification (germline): Uncertain significance (1 of 4 stars; one submission).

Conditions:
Fanconi anemia complementation group J. Also called: BRIP1-Related Fanconi Anemia. Identifiers: Orphanet 84, MedGen C1836860, MONDO:0012187, OMIM 609054.
Familial cancer of breast. Also called: hereditary breast carcinoma; BREAST CANCER, FAMILIAL; Hereditary breast cancer. Identifiers: Orphanet 227535, MedGen C0346153, MONDO:0016419, OMIM 114480. Disease mechanism: loss of function.

Submission:

Labcorp Genetics (formerly Invitae), Labcorp
Classification: Uncertain significance for Familial cancer of breast; Fanconi anemia complementation group J. Last evaluated: 2022-08-22. Review status: criteria provided, single submitter. Criteria: Invitae Variant Classification Sherloc (09022015). Collection method: clinical testing. Allele origin: germline.
Comment: This sequence change replaces leucine, which is neutral and non-polar, with valine, which is neutral and non-polar, at codon 796 of the BRIP1 protein (p.Leu796Val). This variant is not present in population databases (gnomAD no frequency). This variant has not been reported in the literature in individuals affected with BRIP1-related conditions. Algorithms developed to predict the effect of missense changes on protein structure and function are either unavailable or do not agree on the potential impact of this missense change (SIFT: "Tolerated"; PolyPhen-2: "Probably Damaging"; Align-GVGD: "Class C0"). In summary, the available evidence is currently insufficient to determine the role of this variant in disease. Therefore, it has been classified as a Variant of Uncertain Significance.

NM_032043.3(BRIP1):c.2386C>G (p.Leu796Val)

Gene: BRIP1 (BRCA1 interacting DNA helicase 1; minus strand). Cytogenetic location: 17q23.2.
Variant type: single nucleotide variant.
Coding change: c.2386C>G on transcript NM_032043.3 (MANE Select); coding-DNA position 2386, C replaced by G.
Protein change: p.Leu796Val; replaces leucine 796 with valine.
Molecular consequence: missense variant.
Genome position (GRCh38, 1-based): chr17:61,716,057, G>C on the plus strand (C>G on the coding strand, the complement: BRIP1 is on the minus strand). VCF-style: chr17-61716057-G-C. GRCh37 (hg19) VCF-style: chr17-59793418-G-C.
Other names: short protein forms L796V.
Identifiers: ClinVar variation 2156353 (VCV002156353.4), dbSNP rs1057521362, ClinGen allele CA400479837.